The following is an entry in ClinVar:

ClinVar aggregate classification (germline): Benign/Likely benign. Review status: criteria provided, multiple submitters, no conflicts (2 of 4 stars). 4 submissions from 4 submitters: Benign (1); Likely benign (3). Last evaluated 2025-03-03.

Conditions:
Inborn genetic diseases. Identifiers: MedGen C0950123, MeSH D030342.
RAI1-related disorder. Also called: RAI1-related condition.

Allele frequency attached by ClinVar (database versions not stated): TOPMed 0.00003; 1000 Genomes Project 30x 0.00016; 1000 Genomes Project 0.00020.
gnomAD v4.1: 117 of 1,613,904 alleles (0.0072%); highest among the groups gnomAD compares: East Asian, 0.22%; no homozygotes.

Submissions (4):

Labcorp Genetics (formerly Invitae), Labcorp
Classification: Likely benign. Last evaluated: 2025-03-03. Review status: criteria provided, single submitter. Criteria: Invitae Variant Classification Sherloc (09022015). Collection method: clinical testing. Allele origin: germline.

PreventionGenetics, part of Exact Sciences
Classification: Likely benign for RAI1-related condition. Last evaluated: 2025-01-07. Review status: criteria provided, single submitter. Criteria: ACMG Guidelines, 2015. Collection method: clinical testing. Allele origin: germline.
Comment: This variant is classified as likely benign based on ACMG/AMP sequence variant interpretation guidelines (Richards et al. 2015 PMID: 25741868, with internal and published modifications).

GeneDx
Classification: Benign. Last evaluated: 2020-06-05. Review status: criteria provided, single submitter. Criteria: GeneDx Variant Classification Process June 2021. Collection method: clinical testing. Allele origin: germline. Affected: yes.

Ambry Genetics
Classification: Likely benign for Inborn genetic diseases. Last evaluated: 2017-12-15. Review status: criteria provided, single submitter. Criteria: Ambry Variant Classification Scheme 2023. Collection method: clinical testing. Allele origin: germline.

Literature cited by the submitters: PubMed 8841119 (cited by Ambry Genetics).

NM_030665.4(RAI1):c.982G>A (p.Val328Ile)

Gene: RAI1 (retinoic acid induced 1; plus strand). Cytogenetic location: 17p11.2.
Variant type: single nucleotide variant.
Coding change: c.982G>A on transcript NM_030665.4 (MANE Select); coding-DNA position 982, G replaced by A.
Protein change: p.Val328Ile; replaces valine 328 with isoleucine.
Molecular consequence: missense variant.
Genome position (GRCh38, 1-based): chr17:17,793,930, G>A. VCF-style: chr17-17793930-G-A. GRCh37 (hg19) VCF-style: chr17-17697244-G-A.
Other names: short protein forms V328I.
Identifiers: ClinVar variation 1289847 (VCV001289847.11), dbSNP rs543870015, ClinGen allele CA8418244.
Genomic context (GRCh38, chr17:17,793,930, plus strand): 5'-CTCGCCAAGTATCAGCACTACGGGCAGCAAGGCCAGGGCTACTGCCAGCCGGACGCAGCC[G>A]TCCGGACCCCAGAGCAGTACTACCAGACCTTCAGCCCCAGCTCCAGCCACTCACCCGCCC-3'
Protein context (NP_109590.3, residues 318-338): GQGYCQPDAA[Val328Ile]RTPEQYYQTF